The following is an entry in ClinVar:

NM_152383.5(DIS3L2):c.1659+5_1659+7del

Gene: DIS3L2 (DIS3 like 3'-5' exoribonuclease 2; plus strand). Cytogenetic location: 2q37.1.
Variant type: Deletion.
Coding change: c.1659+5_1659+7del on transcript NM_152383.5 (MANE Select); bases 5 to 7 of the intron after coding-DNA position 1659, 3 bases deleted (GTA; older notation c.1659+5_1659+7delGTA).
Molecular consequence: intron variant.
Genome position (GRCh38, 1-based): chr2:232,263,445-232,263,447, GTA deleted; deleting any 3 consecutive bases within chr2:232,263,444-232,263,447 gives the same sequence; the c. name uses the placement nearest the transcript's 3' end. VCF-style (leftmost placement, unchanged base first): chr2-232263443-CAGT-C. GRCh37 (hg19) VCF-style: chr2-233128153-CAGT-C.
Other names: c.1581+83_1581+85del (NM_001257281.2); c.1659+5_1659+7delGTA (NM_152383.4).
Identifiers: ClinVar variation 576499 (VCV000576499.6), dbSNP rs771565872, ClinGen allele CA2164212.
Genomic context (GRCh38, chr2:232,263,443, plus strand): 5'-AATTGCCAAGCAGTTACGCCAGCAGCGCTTTGTGGACGGCGCACTTCGTTTGGATCAGGT[CAGT>C]ACGTGTTTTTTTAGTGTAGCCAACAGATTTGACTCGTGCCTGAACCCAGCGTGGATGAGC-3'

ClinVar aggregate classification (germline): Uncertain significance (1 of 4 stars; one submission).

Conditions:
Perlman syndrome (PRLMNS). Identifiers: Orphanet 2849, MedGen C0796113, MONDO:0009965, OMIM 267000.

Submission:

Labcorp Genetics (formerly Invitae), Labcorp
Classification: Uncertain significance for Perlman syndrome. Last evaluated: 2022-11-29. Review status: criteria provided, single submitter. Criteria: Invitae Variant Classification Sherloc (09022015). Collection method: clinical testing. Allele origin: germline.
Comment: Variants that disrupt the consensus splice site are a relatively common cause of aberrant splicing (PMID: 17576681, 9536098). Algorithms developed to predict the effect of sequence changes on RNA splicing suggest that this variant may disrupt the consensus splice site. In summary, the available evidence is currently insufficient to determine the role of this variant in disease. Therefore, it has been classified as a Variant of Uncertain Significance. ClinVar contains an entry for this variant (Variation ID: 576499). This variant has not been reported in the literature in individuals affected with DIS3L2-related conditions. This variant is present in population databases (rs771565872, gnomAD 0.002%). This sequence change falls in intron 13 of the DIS3L2 gene. It does not directly change the encoded amino acid sequence of the DIS3L2 protein. It affects a nucleotide within the consensus splice site.

Literature cited by the submitters: PubMed 17576681; PubMed 9536098.